The following is an entry in ClinVar:

ClinVar aggregate classification (germline): Uncertain significance. Review status: criteria provided, single submitter (1 of 4 stars). 2 submissions from 2 submitters: Uncertain significance (1). 1 of the submissions does not count toward it. Last evaluated 2021-08-31.

Conditions:
Citrin deficiency. Identifiers: Orphanet 247582, MedGen C1997910, MONDO:0016602.
Citrullinemia. Identifiers: Orphanet 187, MedGen C0175683, MONDO:0015991.

Allele frequency attached by ClinVar (database versions not stated): gnomAD exomes below 0.00001; TOPMed 0.00001.
gnomAD v4.1: 4 of 1,614,070 alleles (0.00025%); highest among the groups gnomAD compares: South Asian, 0.0033%; no homozygotes.

Submissions (2):

Labcorp Genetics (formerly Invitae), Labcorp
Classification: Uncertain significance for Citrin deficiency. Last evaluated: 2021-08-31. Review status: criteria provided, single submitter. Criteria: Invitae Variant Classification Sherloc (09022015). Collection method: clinical testing. Allele origin: germline.
Comment: This sequence change replaces isoleucine with valine at codon 499 of the SLC25A13 protein (p.Ile499Val). The isoleucine residue is highly conserved and there is a small physicochemical difference between isoleucine and valine. This variant is not present in population databases (ExAC no frequency). This variant has not been reported in the literature in individuals affected with SLC25A13-related conditions. Advanced modeling of protein sequence and biophysical properties (such as structural, functional, and spatial information, amino acid conservation, physicochemical variation, residue mobility, and thermodynamic stability) performed at Invitae indicates that this missense variant is not expected to disrupt SLC25A13 protein function. In summary, the available evidence is currently insufficient to determine the role of this variant in disease. Therefore, it has been classified as a Variant of Uncertain Significance.

Natera, Inc.
Classification: Uncertain significance for Citrullinemia. Last evaluated: 2020-08-18. Review status: no assertion criteria provided. Collection method: clinical testing. Allele origin: germline. Not counted in ClinVar's aggregate classification.

NM_014251.3(SLC25A13):c.1495A>G (p.Ile499Val)

Gene: SLC25A13 (solute carrier family 25 member 13; minus strand). Cytogenetic location: 7q21.3.
Variant type: single nucleotide variant.
Coding change: c.1495A>G on transcript NM_014251.3 (MANE Select); coding-DNA position 1495, A replaced by G.
Protein change: p.Ile499Val; replaces isoleucine 499 with valine.
Molecular consequence: missense variant. On other transcripts: non-coding transcript variant (1).
Genome position (GRCh38, 1-based): chr7:96,131,839, T>C on the plus strand (A>G on the coding strand, the complement: SLC25A13 is on the minus strand). VCF-style: chr7-96131839-T-C. GRCh37 (hg19) VCF-style: chr7-95761151-T-C.
Other names: c.1498A>G, p.Ile500Val (NM_001160210.2); short protein forms I499V, I500V.
Identifiers: ClinVar variation 1055165 (VCV001055165.7), dbSNP rs1388764303, ClinGen allele CA368259940.
Genomic context (GRCh38, chr7:96,131,839, plus strand): 5'-TAACCTGCCCATCTTCATTTGCAAAGGAAGCCTTCACATGAGCATAGCACGGAAAGTAGA[T>C]GGCCGAGAAAGGAATGTCCCGCAGAAAGCATGCTTTGGCACCCTGCACATTTGCAAAGGA-3'
Protein context (NP_055066.1, residues 489-509): CFLRDIPFSA[Ile499Val]YFPCYAHVKA